The following is an entry in ClinVar:

NM_152443.3(RDH12):c.821T>C (p.Leu274Pro)

Genes: GPHN (gephyrin; plus strand), RDH12 (retinol dehydrogenase 12; plus strand), ZFYVE26 (zinc finger FYVE-type containing 26; minus strand). Cytogenetic location: 14q24.1.
Variant type: single nucleotide variant.
Coding change: c.821T>C on transcript NM_152443.3 (MANE Select); coding-DNA position 821, T replaced by C.
Protein change: p.Leu274Pro; replaces leucine 274 with proline.
Molecular consequence: missense variant.
Genome position (GRCh38, 1-based): chr14:67,729,353, T>C. VCF-style: chr14-67729353-T-C. GRCh37 (hg19) VCF-style: chr14-68196070-T-C.
Other names: short protein forms L274P.
Identifiers: ClinVar variation 812390 (VCV000812390.5), dbSNP rs1594867597, ClinGen allele CA390153397.

ClinVar aggregate classification (germline): Pathogenic/Likely pathogenic. Review status: criteria provided, multiple submitters, no conflicts (2 of 4 stars). 3 submissions from 3 submitters: Pathogenic (1); Likely pathogenic (1). 1 of the submissions does not count toward it. Last evaluated 2024-04-02.

Conditions:
Retinitis pigmentosa (RP). Identifiers: Orphanet 791, MedGen C0035334, MeSH D012174, MONDO:0019200, OMIM 268000. Inheritance: Autosomal dominant, autosomal recessive and X linked inheritance.
Leber congenital amaurosis (LCA). Also called: Leber's amaurosis. Identifiers: Orphanet 65, MedGen C0339527, MeSH D057130, MONDO:0018998.

Submissions (3):

Natera, Inc.
Classification: Likely pathogenic for Leber congenital amaurosis. Last evaluated: 2024-04-02. Review status: criteria provided, single submitter. Criteria: Natera Variant Classification Schema (03/2026). Collection method: clinical testing. Allele origin: germline.
Comment: The c.821T>C variant in RDH12 is a missense variant predicted to cause substitution of leucine to proline at amino acid 274. This variant is rare in the general population with a frequency below the threshold expected for the associated phenotype(s). This variant has been observed in one or more individuals affected with the associated recessive disease, as either homozygous or compound heterozygous with a second variant (PMID: 32531858). This variant has been observed to segregate in affected family members (PMID: 24474277). Functional studies show that this variant may disrupt protein function (PMID: 16269441). Computational prediction algorithms indicate this variant is likely to affect gene or protein function. Given the available evidence, this variant is classified as Likely Pathogenic.

GeneDx
Classification: Pathogenic. Last evaluated: 2019-02-27. Review status: criteria provided, single submitter. Criteria: GeneDx Variant Classification Process June 2021. Collection method: clinical testing. Allele origin: germline. Affected: yes.
Comment: Published functional studies demonstrate that L274P leads to loss of catalytic activity and a reduced ability to convert all-trans retinal to all-trans retinol (Thompson et al., 2005); Not observed in large population cohorts (Lek et al., 2016); In silico analysis, which includes protein predictors and evolutionary conservation, supports a deleterious effect This variant is associated with the following publications: (PMID: 31456290, 17389517, 24474277, 16269441)

Sharon lab, Hadassah-Hebrew University Medical Center
Classification: Pathogenic for Retinitis pigmentosa. Last evaluated: 2019-06-23. Review status: no assertion criteria provided. Collection method: research. Allele origin: inherited. Affected: yes. Not counted in ClinVar's aggregate classification.

Literature cited by the submitters: PubMed 32531858 (cited by Natera, Inc.); PubMed 24474277 (cited by Natera, Inc.); PubMed 16269441 (cited by Natera, Inc.).